The following is an entry in ClinVar:

ClinVar aggregate classification (germline): Conflicting classifications of pathogenicity. Review status: criteria provided, conflicting classifications (1 of 4 stars). 9 submissions from 9 submitters: Uncertain significance (1); Likely benign (6). 2 of the submissions do not count toward it. Last evaluated 2026-09-01.

Allele frequency attached by ClinVar (database versions not stated): ESP Exome Variant Server 0.00085; gnomAD 0.00092 and 0.00084; gnomAD exomes 0.00143 and 0.00084; 1000 Genomes Project 0.00040; 1000 Genomes Project 30x 0.00062; TOPMed 0.00083; ExAC 0.00084.
gnomAD v4.1: 2,218 of 1,614,122 alleles (0.14%); highest among the groups gnomAD compares: Non-Finnish European, 0.17%; 3 homozygotes.

Submissions (9):

CeGaT Center for Human Genetics Tuebingen
Classification: Likely benign. Last evaluated: 2026-09-01. Review status: criteria provided, single submitter. Criteria: CeGaT Center For Human Genetics Tuebingen Variant Classification Criteria Version 2. Collection method: clinical testing. Allele origin: germline. Affected: yes. Observed: 4 variant alleles.
Comment: FAT4: BP4, BP7

Labcorp Genetics (formerly Invitae), Labcorp
Classification: Likely benign. Last evaluated: 2026-02-01. Review status: criteria provided, single submitter. Criteria: Invitae Variant Classification Sherloc (09022015). Collection method: clinical testing. Allele origin: germline.

Blueprint Genetics
Classification: Likely benign. Last evaluated: 2024-11-21. Review status: criteria provided, single submitter. Criteria: ACMG Guidelines, 2015. Collection method: clinical testing. Allele origin: germline.

ARUP Laboratories, Molecular Genetics and Genomics, ARUP Laboratories
Classification: Likely benign. Last evaluated: 2023-06-29. Review status: criteria provided, single submitter. Criteria: ARUP Molecular Germline Variant Investigation Process 2024. Collection method: clinical testing. Allele origin: germline.

GeneDx
Classification: Likely benign. Last evaluated: 2021-08-27. Review status: criteria provided, single submitter. Criteria: GeneDx Variant Classification Process June 2021. Collection method: clinical testing. Allele origin: germline. Affected: yes.

Revvity Omics, Revvity
Classification: Uncertain significance. Last evaluated: 2019-07-29. Review status: criteria provided, single submitter. Criteria: ACMG Guidelines, 2015. Collection method: clinical testing. Allele origin: germline.

Breakthrough Genomics
Classification: Likely benign. Review status: criteria provided, single submitter. Criteria: ACMG Guidelines, 2015. Collection method: not provided. Allele origin: germline. Inheritance: Autosomal recessive inheritance. Affected: yes.

Clinical Genetics DNA and cytogenetics Diagnostics Lab, Erasmus MC, Erasmus Medical Center
Classification: Likely benign. Review status: no assertion criteria provided. Collection method: clinical testing. Allele origin: germline. Affected: yes. Study: VKGL Data-share Consensus. Not counted in ClinVar's aggregate classification.

Clinical Genetics, Academic Medical Center
Classification: Benign. Review status: no assertion criteria provided. Collection method: clinical testing. Allele origin: germline. Affected: yes. Study: VKGL Data-share Consensus. Not counted in ClinVar's aggregate classification.

NM_001291303.3(FAT4):c.11619C>T (p.Cys3873=)

Gene: FAT4 (FAT atypical cadherin 4; plus strand). Cytogenetic location: 4q28.1.
Variant type: single nucleotide variant.
Coding change: c.11619C>T on transcript NM_001291303.3 (MANE Select); coding-DNA position 11619, C replaced by T.
Protein change: p.Cys3873=; no amino-acid change (cysteine 3873 retained).
Molecular consequence: synonymous variant.
Genome position (GRCh38, 1-based): chr4:125,452,629, C>T. VCF-style: chr4-125452629-C-T. GRCh37 (hg19) VCF-style: chr4-126373784-C-T.
Other names: c.11619C>T, p.Cys3873= (NM_001291285.3); c.11613C>T, p.Cys3871= (NM_024582.6).
Identifiers: ClinVar variation 385144 (VCV000385144.41), dbSNP rs141328606, ClinGen allele CA3073886.
Genomic context (GRCh38, chr4:125,452,629, plus strand): 5'-GCCAGGATATGCGGGTAGCTGGTGTGAAATAGATATAGATGAATGTCTTCCATCACCTTG[C>T]CACAGTGGTGGAACCTGTCACAATTTAGTGGGAGGATTTTCATGCAGCTGCCCAGATGGC-3'
Protein context (NP_001278232.1, residues 3863-3883): IDIDECLPSP[Cys3873=]HSGGTCHNLV